The following is an entry in ClinVar:

NM_001126121.2(SLC25A19):c.565G>A (p.Ala189Thr)

Gene: SLC25A19 (solute carrier family 25 member 19; minus strand). Cytogenetic location: 17q25.1.
Variant type: single nucleotide variant.
Coding change: c.565G>A on transcript NM_001126121.2 (MANE Select); coding-DNA position 565, G replaced by A.
Protein change: p.Ala189Thr; replaces alanine 189 with threonine.
Molecular consequence: missense variant.
Genome position (GRCh38, 1-based): chr17:75,278,230, C>T on the plus strand (G>A on the coding strand, the complement: SLC25A19 is on the minus strand). VCF-style: chr17-75278230-C-T. GRCh37 (hg19) VCF-style: chr17-73274311-C-T.
Other names: p.Ala189Thr; c.565G>A, p.Ala189Thr (NM_001126122.2, NM_021734.5); c.565G>A (NM_021734.4); short protein forms A189T.
Identifiers: ClinVar variation 198249 (VCV000198249.19), dbSNP rs144393784, ClinGen allele CA246797.

ClinVar aggregate classification (germline): Conflicting classifications of pathogenicity. Review status: criteria provided, conflicting classifications (1 of 4 stars). 6 submissions from 6 submitters: Uncertain significance (5); Likely benign (1). Last evaluated 2025-11-06.

Conditions:
SLC25A19-related disorder. Also called: SLC25A19-related condition.
Inborn genetic diseases. Identifiers: MedGen C0950123, MeSH D030342.
Progressive demyelinating neuropathy with bilateral striatal necrosis (THMD4). Also called: BILATERAL STRIATAL DEGENERATION AND PROGRESSIVE POLYNEUROPATHY; Thiamine Metabolism Dysfunction Syndrome 4 (THMD-4); Thiamine metabolism dysfunction syndrome 4 (progressive polyneuropathy type). Identifiers: Orphanet 217396, MedGen C3150973, MONDO:0013382, OMIM 613710.

Allele frequency attached by ClinVar (database versions not stated): TOPMed 0.00010; gnomAD 0.00011; ESP Exome Variant Server 0.00038.
gnomAD v4.1: 234 of 1,613,682 alleles (0.015%); highest among the groups gnomAD compares: Non-Finnish European, 0.018%; no homozygotes.

Submissions (6):

Mayo Clinic Laboratories, Mayo Clinic
Classification: Uncertain significance. Last evaluated: 2025-11-06. Review status: criteria provided, single submitter. Criteria: ACMG Guidelines, 2015. Collection method: clinical testing. Allele origin: germline. Observed: 2 variant alleles.
Comment: PM2_supporting

Ambry Genetics
Classification: Uncertain significance for Inborn genetic diseases. Last evaluated: 2025-08-01. Review status: criteria provided, single submitter. Criteria: Ambry Variant Classification Scheme 2023. Collection method: clinical testing. Allele origin: germline.

PreventionGenetics, part of Exact Sciences
Classification: Uncertain significance for SLC25A19-related condition. Last evaluated: 2025-06-04. Review status: criteria provided, single submitter. Criteria: ACMG Guidelines, 2015. Collection method: clinical testing. Allele origin: germline.
Comment: The SLC25A19 c.565G>A variant is predicted to result in the amino acid substitution p.Ala189Thr. To our knowledge, this variant has not been reported in the literature. This variant is reported in 0.016% of alleles in individuals of European (Non-Finnish) descent in gnomAD. At this time, the clinical significance of this variant is uncertain due to the absence of conclusive functional and genetic evidence.

Labcorp Genetics (formerly Invitae), Labcorp
Classification: Likely benign. Last evaluated: 2025-05-03. Review status: criteria provided, single submitter. Criteria: Invitae Variant Classification Sherloc (09022015). Collection method: clinical testing. Allele origin: germline.

Baylor Genetics
Classification: Uncertain significance for Progressive demyelinating neuropathy with bilateral striatal necrosis. Last evaluated: 2023-08-03. Review status: criteria provided, single submitter. Criteria: ACMG Guidelines, 2015. Collection method: clinical testing. Allele origin: unknown.

Eurofins Ntd Llc (ga)
Classification: Uncertain significance. Last evaluated: 2016-07-19. Review status: criteria provided, single submitter. Criteria: EGL Classification Definitions 2015. Collection method: clinical testing. Allele origin: germline. Observed: 2 variant alleles, 2 heterozygotes.